The following is an entry in ClinVar:

ClinVar aggregate classification (germline): Uncertain significance. Review status: criteria provided, multiple submitters, no conflicts (2 of 4 stars). 2 submissions from 2 submitters: Uncertain significance (2). Last evaluated 2024-04-23.

Conditions:
Inborn genetic diseases. Identifiers: MedGen C0950123, MeSH D030342.

Allele frequency attached by ClinVar (database versions not stated): gnomAD 0.00001; gnomAD exomes 0.00002.

Submissions (2):

Ambry Genetics
Classification: Uncertain significance for Inborn genetic diseases. Last evaluated: 2024-04-23. Review status: criteria provided, single submitter. Criteria: Ambry Variant Classification Scheme 2023. Collection method: clinical testing. Allele origin: germline.

Labcorp Genetics (formerly Invitae), Labcorp
Classification: Uncertain significance. Last evaluated: 2022-01-22. Review status: criteria provided, single submitter. Criteria: Invitae Variant Classification Sherloc (09022015). Collection method: clinical testing. Allele origin: germline.
Comment: This sequence change replaces proline, which is neutral and non-polar, with serine, which is neutral and polar, at codon 813 of the PLK4 protein (p.Pro813Ser). This variant is present in population databases (no rsID available, gnomAD 0.002%). This variant has not been reported in the literature in individuals affected with PLK4-related conditions. Algorithms developed to predict the effect of missense changes on protein structure and function output the following: SIFT: "Tolerated"; PolyPhen-2: "Benign"; Align-GVGD: "Class C0". The serine amino acid residue is found in multiple mammalian species, which suggests that this missense change does not adversely affect protein function. In summary, the available evidence is currently insufficient to determine the role of this variant in disease. Therefore, it has been classified as a Variant of Uncertain Significance.

NM_014264.5(PLK4):c.2437C>T (p.Pro813Ser)

Gene: PLK4 (polo like kinase 4; plus strand). Cytogenetic location: 4q28.1.
Variant type: single nucleotide variant.
Coding change: c.2437C>T on transcript NM_014264.5 (MANE Select); coding-DNA position 2437, C replaced by T.
Protein change: p.Pro813Ser; replaces proline 813 with serine.
Molecular consequence: missense variant.
Genome position (GRCh38, 1-based): chr4:127,893,756, C>T. VCF-style: chr4-127893756-C-T. GRCh37 (hg19) VCF-style: chr4-128814911-C-T.
Other names: c.2437C>T (NM_014264.4); c.2341C>T, p.Pro781Ser (NM_001190799.2); c.2314C>T, p.Pro772Ser (NM_001190801.2); short protein forms P772S, P813S, P781S.
Identifiers: ClinVar variation 1915488 (VCV001915488.6), dbSNP rs1469214008, ClinGen allele CA358162371.